The following is an entry in ClinVar:

ClinVar aggregate classification (germline): Likely benign. Review status: criteria provided, single submitter (1 of 4 stars). 2 submissions from 2 submitters: Likely benign (1). 1 of the submissions does not count toward it. Last evaluated 2023-11-07.

Conditions:
CDH23-related disorder. Also called: CDH23-related condition; CDH23-related disorders.

gnomAD v4.1: 9 of 1,604,518 alleles (0.00056%); highest among the groups gnomAD compares: South Asian, 0.0056%; no homozygotes.

Submissions (2):

Labcorp Genetics (formerly Invitae), Labcorp
Classification: Likely benign. Last evaluated: 2023-11-07. Review status: criteria provided, single submitter. Criteria: Invitae Variant Classification Sherloc (09022015). Collection method: clinical testing. Allele origin: germline.

PreventionGenetics, part of Exact Sciences
Classification: Likely benign for CDH23-related condition. Last evaluated: 2019-09-23. Review status: no assertion criteria provided. Collection method: clinical testing. Allele origin: germline. Not counted in ClinVar's aggregate classification.
Comment: This variant is classified as likely benign based on ACMG/AMP sequence variant interpretation guidelines (Richards et al. 2015 PMID: 25741868, with internal and published modifications).

NM_022124.6(CDH23):c.777C>T (p.Thr259=)

Gene: CDH23 (cadherin related 23; plus strand). Cytogenetic location: 10q22.1.
Variant type: single nucleotide variant.
Coding change: c.777C>T on transcript NM_022124.6 (MANE Select); coding-DNA position 777, C replaced by T.
Protein change: p.Thr259=; no amino-acid change (threonine 259 retained).
Molecular consequence: synonymous variant.
Genome position (GRCh38, 1-based): chr10:71,577,937, C>T. VCF-style: chr10-71577937-C-T. GRCh37 (hg19) VCF-style: chr10-73337694-C-T.
Other names: c.777C>T, p.Thr259= (NM_001171930.2, NM_001171931.2, NM_001171932.2 and 1 more transcripts); c.777C>T (NM_022124.5).
Identifiers: ClinVar variation 1086986 (VCV001086986.11), dbSNP rs542798557, ClinGen allele CA209447634.